The following is an entry in ClinVar:

NM_001291303.3(FAT4):c.235G>T (p.Ala79Ser)

Gene: FAT4 (FAT atypical cadherin 4; plus strand). Cytogenetic location: 4q28.1.
Variant type: single nucleotide variant.
Coding change: c.235G>T on transcript NM_001291303.3 (MANE Select); coding-DNA position 235, G replaced by T.
Protein change: p.Ala79Ser; replaces alanine 79 with serine.
Molecular consequence: missense variant.
Genome position (GRCh38, 1-based): chr4:125,316,646, G>T. VCF-style: chr4-125316646-G-T. GRCh37 (hg19) VCF-style: chr4-126237801-G-T.
Other names: c.235G>T (NM_024582.4, NM_024582.5); c.235G>T, p.Ala79Ser (NM_001291285.3, NM_024582.6); short protein forms A79S.
Identifiers: ClinVar variation 2180158 (VCV002180158.7), dbSNP rs767730943, ClinGen allele CA3071770.

ClinVar aggregate classification (germline): Conflicting classifications of pathogenicity. Review status: criteria provided, conflicting classifications (1 of 4 stars). 3 submissions from 3 submitters: Uncertain significance (1); Likely benign (1). 1 of the submissions does not count toward it. Last evaluated 2026-01-18.

Conditions:
Hennekam lymphangiectasia-lymphedema syndrome 2 (HKLLS2). Identifiers: Orphanet 2136, MedGen C4014939, MONDO:0014454, OMIM 616006.
Van Maldergem syndrome 2 (VMLDS2). Identifiers: Orphanet 314679, MedGen C3809875, MONDO:0014242, OMIM 615546.
FAT4-related disorder. Also called: FAT4-related condition.

Allele frequency attached by ClinVar (database versions not stated): gnomAD 0.00001; TOPMed 0.00001.
gnomAD v4.1: 144 of 1,613,550 alleles (0.0089%); highest among the groups gnomAD compares: South Asian, 0.14%; 1 homozygote.

Submissions (3):

Labcorp Genetics (formerly Invitae), Labcorp
Classification: Likely benign. Last evaluated: 2026-01-18. Review status: criteria provided, single submitter. Criteria: Invitae Variant Classification Sherloc (09022015). Collection method: clinical testing. Allele origin: germline.

Fulgent Genetics
Classification: Uncertain significance for Van Maldergem syndrome 2; Hennekam lymphangiectasia-lymphedema syndrome 2. Last evaluated: 2024-02-26. Review status: criteria provided, single submitter. Criteria: ACMG Guidelines, 2015. Collection method: clinical testing. Allele origin: germline.

PreventionGenetics, part of Exact Sciences
Classification: Likely benign for FAT4-related condition. Last evaluated: 2022-03-02. Review status: no assertion criteria provided. Collection method: clinical testing. Allele origin: germline. Not counted in ClinVar's aggregate classification.
Comment: This variant is classified as likely benign based on ACMG/AMP sequence variant interpretation guidelines (Richards et al. 2015 PMID: 25741868, with internal and published modifications).